The following is an entry in ClinVar:

ClinVar aggregate classification (germline): Uncertain significance (1 of 4 stars; one submission).

Conditions:
Hyper-IgM syndrome type 1. Also called: CD40 Ligand Deficiency; X-linked hyper-IgM syndrome; Immunodeficiency, X-linked, with hyper-IgM; Hyper-IgM Immunodeficiency Syndrome, Type 1. Identifiers: Orphanet 101088, MedGen C0398689, MONDO:0010626, OMIM 308230.

Submission:

Labcorp Genetics (formerly Invitae), Labcorp
Classification: Uncertain significance for Hyper-IgM syndrome type 1. Last evaluated: 2022-02-24. Review status: criteria provided, single submitter. Criteria: Invitae Variant Classification Sherloc (09022015). Collection method: clinical testing. Allele origin: germline.
Comment: In summary, the available evidence is currently insufficient to determine the role of this variant in disease. Therefore, it has been classified as a Variant of Uncertain Significance. Advanced modeling of protein sequence and biophysical properties (such as structural, functional, and spatial information, amino acid conservation, physicochemical variation, residue mobility, and thermodynamic stability) performed at Invitae indicates that this missense variant is expected to disrupt CD40LG protein function. This missense change has been observed in individual(s) with clinical features of hyper-IgM syndrome (Invitae). This variant is not present in population databases (gnomAD no frequency). This sequence change replaces isoleucine, which is neutral and non-polar, with asparagine, which is neutral and polar, at codon 171 of the CD40LG protein (p.Ile171Asn).

NM_000074.3(CD40LG):c.512T>A (p.Ile171Asn)

Gene: CD40LG (CD40 ligand; plus strand). Cytogenetic location: Xq26.3.
Variant type: single nucleotide variant.
Coding change: c.512T>A on transcript NM_000074.3 (MANE Select); coding-DNA position 512, T replaced by A.
Protein change: p.Ile171Asn; replaces isoleucine 171 with asparagine.
Molecular consequence: missense variant.
Genome position (GRCh38, 1-based): chrX:136,659,141, T>A. VCF-style: chrX-136659141-T-A. GRCh37 (hg19) VCF-style: chrX-135741300-T-A.
Other names: short protein forms I171N.
Identifiers: ClinVar variation 2090328 (VCV002090328.4), dbSNP rs2522117935, ClinGen allele CA414755778.
Genomic context (GRCh38, chrX:136,659,141, plus strand): 5'-ACTTGGTAACCCTGGAAAATGGGAAACAGCTGACCGTTAAAAGACAAGGACTCTATTATA[T>A]CTATGCCCAAGTCACCTTCTGTTCCAATCGGGAAGCTTCGAGTCAAGCTCCATTTATAGC-3'
Protein context (NP_000065.1, residues 161-181): LTVKRQGLYY[Ile171Asn]YAQVTFCSNR